The following is an entry in ClinVar:

NM_181426.2(CCDC39):c.2190del (p.Glu731fs)

Gene: CCDC39 (coiled-coil domain 39 molecular ruler complex subunit; minus strand). Cytogenetic location: 3q26.33.
Variant type: Deletion.
Coding change: c.2190del on transcript NM_181426.2 (MANE Select); coding-DNA position 2190, one base deleted (A; older notation c.2190delA).
Protein change: p.Glu731fs; shifts the reading frame from glutamic acid 731.
Molecular consequence: frameshift variant.
Genome position (GRCh38, 1-based): chr3:180,619,334, T deleted on the plus strand (A on the coding strand, the reverse complement: CCDC39 is on the minus strand); the first of 2 consecutive T bases (chr3:180,619,334-180,619,335); deleting either gives the same sequence. VCF-style (leftmost placement, unchanged base first): chr3-180619333-CT-C. GRCh37 (hg19) VCF-style: chr3-180337121-CT-C.
Other names: c.2190delA (NM_181426.2); short protein forms E731fs.
Identifiers: ClinVar variation 65950 (VCV000065950.20), dbSNP rs587778820, ClinGen allele CA345274.

ClinVar aggregate classification (germline): Pathogenic. Review status: criteria provided, multiple submitters, no conflicts (2 of 4 stars). 7 submissions from 7 submitters: Pathogenic (5). 2 of the submissions do not count toward it. Last evaluated 2025-08-02.

Conditions:
Primary ciliary dyskinesia. Also called: Ciliary dyskinesia. Identifiers: Orphanet 244, MedGen C0008780, MONDO:0016575, HP:0012265.
Primary ciliary dyskinesia 14. Also called: CILIARY DYSKINESIA, PRIMARY, 14, WITH OR WITHOUT SITUS INVERSUS. Identifiers: Orphanet 244, MedGen C3151136, MONDO:0013434, OMIM 613807.

Submissions (7):

Labcorp Genetics (formerly Invitae), Labcorp
Classification: Pathogenic for Primary ciliary dyskinesia. Last evaluated: 2025-08-02. Review status: criteria provided, single submitter. Criteria: Invitae Variant Classification Sherloc (09022015). Collection method: clinical testing. Allele origin: germline.
Comment: This sequence change creates a premature translational stop signal (p.Glu731Asnfs*31) in the CCDC39 gene. It is expected to result in an absent or disrupted protein product. Loss-of-function variants in CCDC39 are known to be pathogenic (PMID: 21131972, 23255504). This variant is present in population databases (rs587778820, gnomAD 0.005%). This premature translational stop signal has been observed in individuals with primary ciliary dyskinesia (PMID: 21131972, 27637300, 30067075). ClinVar contains an entry for this variant (Variation ID: 65950). For these reasons, this variant has been classified as Pathogenic.

First Genomix Gene Laboratory, Genetic Diagnostics Department
Classification: Pathogenic for Primary ciliary dyskinesia 14. Last evaluated: 2025-03-25. Review status: criteria provided, single submitter. Criteria: ACMG Guidelines, 2015. Collection method: clinical testing. Allele origin: germline. Inheritance: Autosomal recessive inheritance. Affected: no. Observed: 1 variant allele.

ARUP Laboratories, Molecular Genetics and Genomics, ARUP Laboratories
Classification: Pathogenic for Primary ciliary dyskinesia 14. Last evaluated: 2024-04-03. Review status: criteria provided, single submitter. Criteria: ARUP Molecular Germline Variant Investigation Process 2024. Collection method: clinical testing. Allele origin: germline.
Comment: The CCDC39 c.2190del; p.Glu731AsnfsTer31 variant (rs587778820) is reported in both the homozygous and compound heterozygous states in several individuals with primary ciliary dyskinesia (Blanchon 2020, Boaretto 2016, Mani 2020, Merveille 2011). This variant is also reported in ClinVar (Variation ID: 65950). It is only found on five alleles in the Genome Aggregation Database, indicating it is not a common polymorphism. This variant causes a frameshift by deleting a single nucleotide, so it is predicted to result in a truncated protein or mRNA subject to nonsense-mediated decay. Based on available information, this variant is considered to be pathogenic. References: Blanchon S et al. Deep phenotyping, including quantitative ciliary beating parameters, and extensive genotyping in primary ciliary dyskinesia. J Med Genet. 2020 Apr;57(4):237-244. PMID: 31772028. Boaretto F et al. Diagnosis of Primary Ciliary Dyskinesia by a Targeted Next-Generation Sequencing Panel: Molecular and Clinical Findings in Italian Patients. J Mol Diagn. 2016 Nov;18(6):912-922. PMID: 27637300. Mani R et al. Primary ciliary dyskinesia gene contribution in Tunisia: Identification of a major Mediterranean allele. Hum Mutat. 2020 Jan;41(1):115-121. PMID: 31469207. Merveille AC et al. CCDC39 is required for assembly of inner dynein arms and the dynein regulatory complex and for normal ciliary motility in humans and dogs. Nat Genet. 2011 Jan;43(1):72-8. PMID: 21131972.

3billion
Classification: Pathogenic for Primary ciliary dyskinesia 14. Last evaluated: 2022-05-22. Review status: criteria provided, single submitter. Criteria: ACMG Guidelines, 2015. Collection method: clinical testing. Allele origin: germline. Affected: yes. Observed: 1 homozygote.
Comment: The variant is observed at an extremely low frequency in the gnomAD v2.1.1 dataset (total allele frequency: 0.003%). Frameshift: predicted to result in a loss or disruption of normal protein function through nonsense-mediated decay (NMD) or protein truncation. Multiple pathogenic variants are reported downstream of the variant. The variant has been reported at least twice as pathogenic without evidence for the classification (ClinVar ID: VCV000065950 / PMID: 21131972). Therefore, this variant is classified as pathogenic according to the recommendation of ACMG/AMP guideline.

Ambry Genetics
Classification: Pathogenic for Primary ciliary dyskinesia. Last evaluated: 2021-03-11. Review status: criteria provided, single submitter. Criteria: Ambry Variant Classification Scheme 2023. Collection method: clinical testing. Allele origin: germline.
Comment: The c.2190delA pathogenic mutation, located in coding exon 16 of the CCDC39 gene, results from a deletion of one nucleotide at nucleotide position 2190, causing a translational frameshift with a predicted alternate stop codon (p.E731Nfs*31). This variant has been reported in several homozygous or compound heterozygous individuals with primary ciliary dyskinesia (Merveille AC et al. Nat Genet, 2011 Jan;43:72-8; Blanchon S et al. J Med Genet, 2020 04;57:237-244). In addition to the clinical data presented in the literature, this alteration is expected to result in loss of function by premature protein truncation or nonsense-mediated mRNA decay. As such, this alteration is interpreted as a disease-causing mutation.

GeneReviews
Classification: Pathogenic for Primary Ciliary Dyskinesia. Last evaluated: 2011-09-15. Review status: no assertion criteria provided. Collection method: curation. Allele origin: unknown. Not counted in ClinVar's aggregate classification.
ClinVar note: Converted during submission from pathologic to Pathogenic.

OMIM
Classification: Pathogenic for CILIARY DYSKINESIA, PRIMARY, 14. Last evaluated: 2011-01-01. Review status: no assertion criteria provided. Collection method: literature only. Allele origin: germline. Not counted in ClinVar's aggregate classification.

Literature cited by the submitters: PubMed 21131972 (cited by 4 submitters); PubMed 23255504 (cited by Labcorp Genetics (formerly Invitae), Labcorp); PubMed 27637300 (cited by Labcorp Genetics (formerly Invitae), Labcorp); PubMed 30067075 (cited by Labcorp Genetics (formerly Invitae), Labcorp); PubMed 31772028 (cited by Ambry Genetics).